The following is an entry in ClinVar:

ClinVar aggregate classification (germline): Uncertain significance (1 of 4 stars; one submission).

Conditions:
Autosomal dominant limb-girdle muscular dystrophy type 1G (LGMDD3). Also called: MUSCULAR DYSTROPHY, LIMB-GIRDLE, AUTOSOMAL DOMINANT 3; Limb-girdle muscular dystrophy, type 1G. Identifiers: Orphanet 55596, MedGen C1836765, MONDO:0012193, OMIM 609115.

gnomAD v4.1: 3 of 1,606,754 alleles (0.00019%); highest among the groups gnomAD compares: South Asian, 0.0033%; no homozygotes.

Submission:

Labcorp Genetics (formerly Invitae), Labcorp
Classification: Uncertain significance for Autosomal dominant limb-girdle muscular dystrophy type 1G. Last evaluated: 2024-05-02. Review status: criteria provided, single submitter. Criteria: Invitae Variant Classification Sherloc (09022015). Collection method: clinical testing. Allele origin: germline.
Comment: This sequence change replaces arginine, which is basic and polar, with serine, which is neutral and polar, at codon 80 of the HNRNPDL protein (p.Arg80Ser). This variant is not present in population databases (gnomAD no frequency). This variant has not been reported in the literature in individuals affected with HNRNPDL-related conditions. An algorithm developed to predict the effect of missense changes on protein structure and function (PolyPhen-2) suggests that this variant is likely to be tolerated. In summary, the available evidence is currently insufficient to determine the role of this variant in disease. Therefore, it has been classified as a Variant of Uncertain Significance.

NM_031372.4(HNRNPDL):c.240G>T (p.Arg80Ser)

Gene: HNRNPDL (heterogeneous nuclear ribonucleoprotein D like; minus strand). Cytogenetic location: 4q21.22.
Variant type: single nucleotide variant.
Coding change: c.240G>T on transcript NM_031372.4 (MANE Select); coding-DNA position 240, G replaced by T.
Protein change: p.Arg80Ser; replaces arginine 80 with serine.
Molecular consequence: missense variant. On other transcripts: non-coding transcript variant (1).
Genome position (GRCh38, 1-based): chr4:82,429,451, C>A on the plus strand (G>T on the coding strand, the complement: HNRNPDL is on the minus strand). VCF-style: chr4-82429451-C-A. GRCh37 (hg19) VCF-style: chr4-83350604-C-A.
Other names: c.240G>T, p.Arg80Ser (NM_001207000.1); short protein forms R80S.
Identifiers: ClinVar variation 3682434 (VCV003682434.2).